The following is an entry in ClinVar:

ClinVar aggregate classification (germline): Uncertain significance (1 of 4 stars; one submission).

Allele frequency attached by ClinVar (database versions not stated): ExAC 0.00015.

Submission:

GeneDx
Classification: Uncertain significance. Last evaluated: 2019-06-25. Review status: criteria provided, single submitter. Criteria: GeneDx Variant Classification Process June 2021. Collection method: clinical testing. Allele origin: germline. Affected: yes.
Comment: Has not been previously published as pathogenic or benign to our knowledge; No data is available from control populations to assess the frequency of this variant; In silico analysis, which includes protein predictors and evolutionary conservation, supports a deleterious effect

NM_001148.6(ANK2):c.10472G>A (p.Arg3491Lys)

Gene: ANK2 (ankyrin 2; plus strand). Cytogenetic location: 4q26.
Variant type: single nucleotide variant.
Coding change: c.10472G>A on transcript NM_001148.6 (MANE Select); coding-DNA position 10472, G replaced by A.
Protein change: p.Arg3491Lys; replaces arginine 3491 with lysine.
Molecular consequence: missense variant. On other transcripts: intron variant (68).
Genome position (GRCh38, 1-based): chr4:113,359,090, G>A. VCF-style: chr4-113359090-G-A. GRCh37 (hg19) VCF-style: chr4-114280246-G-A.
Other names: c.10238G>A, p.Arg3413Lys (NM_001386142.1); c.6872G>A, p.Arg2291Lys (NM_001386166.1); c.10613G>A, p.Arg3538Lys (NM_001386174.1); c.10589G>A, p.Arg3530Lys (NM_001386175.1); c.4412-1733G>A (NM_001386186.2, NM_001386148.2); c.4214-1733G>A (NM_001354269.3); c.4292-1733G>A (NM_001386187.2); c.4253-1733G>A (NM_001386147.1); and 35 more; short protein forms R2291K, R3413K, R3491K, R3530K, R3538K.
Identifiers: ClinVar variation 1318644 (VCV001318644.2), dbSNP rs778158309, ClinGen allele CA3052075.